The following is an entry in ClinVar:

ClinVar aggregate classification (germline): Uncertain significance. Review status: criteria provided, multiple submitters, no conflicts (2 of 4 stars). 4 submissions from 4 submitters: Uncertain significance (4). Last evaluated 2025-11-17.

Conditions:
Hereditary cancer-predisposing syndrome. Also called: Hereditary Cancer Syndrome; Neoplastic Syndromes, Hereditary; Tumor predisposition; Hereditary neoplastic syndrome. Identifiers: Orphanet 140162, MedGen C0027672, MeSH D009386, MONDO:0015356.
Ataxia-telangiectasia syndrome (AT). Also called: Ataxia-telangiectasia, complementation group D; AT, COMPLEMENTATION GROUP C; ATAXIA-TELANGIECTASIA, COMPLEMENTATION GROUP A; ATAXIA-TELANGIECTASIA, FRESNO VARIANT; Ataxia-telangiectasia; LOUIS-BAR SYNDROME. Identifiers: Orphanet 100, MedGen C0004135, MONDO:0008840, OMIM 208900.

Submissions (4):

Labcorp Genetics (formerly Invitae), Labcorp
Classification: Uncertain significance for Ataxia-telangiectasia syndrome. Last evaluated: 2025-11-17. Review status: criteria provided, single submitter. Criteria: Invitae Variant Classification Sherloc (09022015). Collection method: clinical testing. Allele origin: germline.
Comment: This sequence change replaces lysine, which is basic and polar, with glutamine, which is neutral and polar, at codon 387 of the ATM protein (p.Lys387Gln). This variant is not present in population databases (gnomAD no frequency). This missense change has been observed in individual(s) with clinical features of ataxia-telangiectasia (PMID: 33547824). ClinVar contains an entry for this variant (Variation ID: 186092). Invitae Evidence Modeling of protein sequence and biophysical properties (such as structural, functional, and spatial information, amino acid conservation, physicochemical variation, residue mobility, and thermodynamic stability) indicates that this missense variant is not expected to disrupt ATM protein function with a negative predictive value of 95%. Studies have shown that this missense change is associated with inconclusive levels of altered splicing (internal data). In summary, the available evidence is currently insufficient to determine the role of this variant in disease. Therefore, it has been classified as a Variant of Uncertain Significance.

Ambry Genetics
Classification: Uncertain significance for Hereditary cancer-predisposing syndrome. Last evaluated: 2025-10-30. Review status: criteria provided, single submitter. Criteria: Ambry Variant Classification Scheme 2023. Collection method: clinical testing. Allele origin: germline.
Comment: The p.K387Q variant (also known as c.1159A>C), located in coding exon 8 of the ATM gene, results from an A to C substitution at nucleotide position 1159. The lysine at codon 387 is replaced by glutamine, an amino acid with similar properties. This alteration was identified in a homozygous state in an individual with a clinical diagnosis of ataxia telangiectasia (Amirifar P et al. Pediatr Allergy Immunol, 2021 Aug;32:1316-1326). This amino acid position is not well conserved in available vertebrate species. In addition, this alteration is predicted to be tolerated by in silico analysis. Based on the available evidence, the clinical significance of this variant remains unclear.

Genome-Nilou Lab
Classification: Uncertain significance for Ataxia-telangiectasia syndrome. Last evaluated: 2021-06-10. Review status: criteria provided, single submitter. Criteria: ACMG Guidelines, 2015. Collection method: clinical testing. Allele origin: germline. Affected: no.

Color Diagnostics, LLC DBA Color Health
Classification: Uncertain significance for Hereditary cancer-predisposing syndrome. Last evaluated: 2019-01-10. Review status: criteria provided, single submitter. Criteria: ACMG Guidelines, 2015. Collection method: clinical testing. Allele origin: germline.

Literature cited by the submitters: PubMed 33547824 (cited by Labcorp Genetics (formerly Invitae), Labcorp and Ambry Genetics).

NM_000051.4(ATM):c.1159A>C (p.Lys387Gln)

Gene: ATM (ATM serine/threonine kinase; plus strand). Cytogenetic location: 11q22.3.
Variant type: single nucleotide variant.
Coding change: c.1159A>C on transcript NM_000051.4 (MANE Select); coding-DNA position 1159, A replaced by C.
Protein change: p.Lys387Gln; replaces lysine 387 with glutamine.
Molecular consequence: missense variant.
Genome position (GRCh38, 1-based): chr11:108,249,026, A>C. VCF-style: chr11-108249026-A-C. GRCh37 (hg19) VCF-style: chr11-108119753-A-C.
Other names: c.1159A>C, p.Lys387Gln (NM_001351834.2); short protein forms K387Q.
Identifiers: ClinVar variation 186092 (VCV000186092.19), dbSNP rs786202686, ClinGen allele CA193840.